The following is an entry in ClinVar:

ClinVar aggregate classification (germline): Pathogenic (1 of 4 stars; one submission).

Conditions:
Primary ciliary dyskinesia 3. Identifiers: Orphanet 244, MedGen C1837618, MONDO:0012085, OMIM 608644.

Submission:

Myriad Genetics, Inc.
Classification: Pathogenic for Primary ciliary dyskinesia 3. Last evaluated: 2024-05-14. Review status: criteria provided, single submitter. Criteria: Myriad Autosomal Dominant, Autosomal Recessive and X-Linked Classification Criteria (2023). Collection method: clinical testing. Allele origin: unknown.
Comment: NM_001369.2(DNAH5):c.5402_5403ins7(H1801Qfs*22) is expected to be pathogenic in the context of primary ciliary dyskinesia, DNAH5-related. This variant is predicted to lead to an abnormal or absent protein product due to the creation of a premature termination codon in DNAH5, a gene where loss-of-function variants are known to be pathogenic. Please note: this variant was assessed in the context of healthy population screening.

NM_001369.3(DNAH5):c.5402_5403insACCTGTT (p.His1801fs)

Gene: DNAH5 (dynein axonemal heavy chain 5; minus strand). Cytogenetic location: 5p15.2.
Variant type: Insertion.
Coding change: c.5402_5403insACCTGTT on transcript NM_001369.3 (MANE Select); coding-DNA positions 5402 to 5403, ACCTGTT inserted.
Protein change: p.His1801fs; shifts the reading frame from histidine 1801.
Molecular consequence: frameshift variant.
Genome position: GRCh38 VCF-style: chr5-13841773-A-AAACAGGT. GRCh37 (hg19) VCF-style: chr5-13841882-A-AAACAGGT.
Other names: short protein forms H1801fs.
Identifiers: ClinVar variation 5010405 (VCV005010405.1).
Genomic context (GRCh38, chr5:13,841,773, plus strand): 5'-AAATTCAGTTAGTTGGAAACCTGTTTCTTGAATATTTGCGGCTGCCTGGCGAATCACAAG[A>AAACAGGT]TGCAATGAGGACTGAGATTCTTCCAAAAGAGAATTAAGCCAAACTTCCACATTGCCCTCT-3'